The following is an entry in ClinVar:

ClinVar aggregate classification (germline): Uncertain significance. Review status: criteria provided, multiple submitters, no conflicts (2 of 4 stars). 3 submissions from 3 submitters: Uncertain significance (3). Last evaluated 2025-06-07.

Conditions:
Inborn genetic diseases. Identifiers: MedGen C0950123, MeSH D030342.
Hermansky-Pudlak syndrome 2 (HPS2). Also called: Platelet defects and oculocutaneous albinism. Identifiers: Orphanet 183678, Orphanet 79430, MedGen C1842362, MONDO:0011997, OMIM 608233.

Allele frequency attached by ClinVar (database versions not stated): TOPMed 0.00001; gnomAD exomes 0.00002.
gnomAD v4.1: 33 of 1,613,560 alleles (0.002%); highest among the groups gnomAD compares: African/African-American, 0.0027%; no homozygotes.

Submissions (3):

Ambry Genetics
Classification: Uncertain significance for Inborn genetic diseases. Last evaluated: 2025-06-07. Review status: criteria provided, single submitter. Criteria: Ambry Variant Classification Scheme 2023. Collection method: clinical testing. Allele origin: germline.

Fulgent Genetics
Classification: Uncertain significance for Hermansky-Pudlak syndrome 2. Last evaluated: 2021-07-27. Review status: criteria provided, single submitter. Criteria: ACMG Guidelines, 2015. Collection method: clinical testing. Allele origin: unknown.

Labcorp Genetics (formerly Invitae), Labcorp
Classification: Uncertain significance for Hermansky-Pudlak syndrome 2. Last evaluated: 2020-06-24. Review status: criteria provided, single submitter. Criteria: Invitae Variant Classification Sherloc (09022015). Collection method: clinical testing. Allele origin: germline.
Comment: This sequence change replaces lysine with glutamic acid at codon 156 of the AP3B1 protein (p.Lys156Glu). The lysine residue is moderately conserved and there is a small physicochemical difference between lysine and glutamic acid. In summary, the available evidence is currently insufficient to determine the role of this variant in disease. Therefore, it has been classified as a Variant of Uncertain Significance. Algorithms developed to predict the effect of missense changes on protein structure and function are either unavailable or do not agree on the potential impact of this missense change (SIFT: "Deleterious"; PolyPhen-2: "Possibly Damaging"; Align-GVGD: "Class C0"). This variant has not been reported in the literature in individuals with AP3B1-related conditions. This variant is not present in population databases (ExAC no frequency).

NM_003664.5(AP3B1):c.466A>G (p.Lys156Glu)

Gene: AP3B1 (adaptor related protein complex 3 subunit beta 1; minus strand). Cytogenetic location: 5q14.1.
Variant type: single nucleotide variant.
Coding change: c.466A>G on transcript NM_003664.5 (MANE Select); coding-DNA position 466, A replaced by G.
Protein change: p.Lys156Glu; replaces lysine 156 with glutamic acid.
Molecular consequence: missense variant.
Genome position (GRCh38, 1-based): chr5:78,227,442, T>C on the plus strand (A>G on the coding strand, the complement: AP3B1 is on the minus strand). VCF-style: chr5-78227442-T-C. GRCh37 (hg19) VCF-style: chr5-77523266-T-C.
Other names: c.319A>G, p.Lys107Glu (NM_001271769.2); c.466A>G (NM_003664.3); short protein forms K107E, K156E.
Identifiers: ClinVar variation 1015550 (VCV001015550.11), dbSNP rs1424373279, ClinGen allele CA360191454.